The following is an entry in ClinVar:

NM_001378030.1(CCDC78):c.1235T>G (p.Val412Gly)

Gene: CCDC78 (coiled-coil domain containing 78; minus strand). Cytogenetic location: 16p13.3.
Variant type: single nucleotide variant.
Coding change: c.1235T>G on transcript NM_001378030.1 (MANE Select); coding-DNA position 1235, T replaced by G.
Protein change: p.Val412Gly; replaces valine 412 with glycine.
Molecular consequence: missense variant. On other transcripts: non-coding transcript variant (5).
Genome position (GRCh38, 1-based): chr16:722,988, A>C on the plus strand (T>G on the coding strand, the complement: CCDC78 is on the minus strand). VCF-style: chr16-722988-A-C. GRCh37 (hg19) VCF-style: chr16-772988-A-C.
Other names: c.1231T>G, p.Ser411Ala (NM_001031737.3); c.1055T>G, p.Val352Gly (NM_001378031.1); c.668T>G, p.Val223Gly (NM_001378033.1); short protein forms V412G, V352G, S411A, V223G.
Identifiers: ClinVar variation 2548239 (VCV002548239.4), dbSNP rs191749939, ClinGen allele CA7789109.
Genomic context (GRCh38, chr16:722,988, plus strand): 5'-AGGTGCTGGTCCACGTACTCCTGTAGCTCAGAAAGTTGCTCTTCAGCCATCGTGGCCCGG[A>C]CCAGCAGCTGTGCCCGCTCCCGTTCCAGCTCTGCCTGGCATGGGGATGTAAGCCATGAGC-3'
Protein context (NP_001364959.1, residues 402-422): ELERERAQLL[Val412Gly]RATMAEEQLS

ClinVar aggregate classification (germline): Uncertain significance. Review status: criteria provided, multiple submitters, no conflicts (2 of 4 stars). 3 submissions from 3 submitters: Uncertain significance (2). 1 of the submissions does not count toward it. Last evaluated 2025-10-09.

Conditions:
Congenital myopathy with internal nuclei and atypical cores. Also called: Myopathy, centronuclear, 4. Identifiers: Orphanet 319160, MedGen C4707232, MONDO:0013890, OMIM 614807.
Inborn genetic diseases. Identifiers: MedGen C0950123, MeSH D030342.

Allele frequency attached by ClinVar (database versions not stated): ExAC 0.00001; gnomAD exomes 0.00002; TOPMed 0.00002; gnomAD 0.00003; 1000 Genomes Project 0.00020; 1000 Genomes Project 30x 0.00062.
gnomAD v4.1: 17 of 1,612,416 alleles (0.0011%); highest among the groups gnomAD compares: East Asian, 0.025%; no homozygotes.

Submissions (3):

Labcorp Genetics (formerly Invitae), Labcorp
Classification: Uncertain significance for Congenital myopathy with internal nuclei and atypical cores. Last evaluated: 2025-10-09. Review status: criteria provided, single submitter. Criteria: Invitae Variant Classification Sherloc (09022015). Collection method: clinical testing. Allele origin: germline.
Comment: This sequence change replaces serine, which is neutral and polar, with alanine, which is neutral and non-polar, at codon 411 of the CCDC78 protein (p.Ser411Ala). This variant is present in population databases (rs191749939, gnomAD 0.006%). This variant has not been reported in the literature in individuals affected with CCDC78-related conditions. ClinVar contains an entry for this variant (Variation ID: 2548239). Invitae Evidence Modeling of protein sequence and biophysical properties (such as structural, functional, and spatial information, amino acid conservation, physicochemical variation, residue mobility, and thermodynamic stability) indicates that this missense variant is not expected to disrupt CCDC78 protein function with a negative predictive value of 80%. In summary, the available evidence is currently insufficient to determine the role of this variant in disease. Therefore, it has been classified as a Variant of Uncertain Significance.

Ambry Genetics
Classification: Uncertain significance for Inborn genetic diseases. Last evaluated: 2023-05-17. Review status: criteria provided, single submitter. Criteria: Ambry Variant Classification Scheme 2023. Collection method: clinical testing. Allele origin: germline.

Zotz-Klimas Genetics Lab, MVZ Zotz Klimas
Classification: Uncertain significance for Congenital myopathy with internal nuclei and atypical cores. Last evaluated: 2023-11-24. Review status: no assertion criteria provided. Collection method: clinical testing. Allele origin: germline. Affected: yes. Not counted in ClinVar's aggregate classification.